The following is an entry in ClinVar:

NM_001184.4(ATR):c.2217C>T (p.Asp739=)

Gene: ATR (ATR checkpoint kinase; minus strand). Cytogenetic location: 3q23.
Variant type: single nucleotide variant.
Coding change: c.2217C>T on transcript NM_001184.4 (MANE Select); coding-DNA position 2217, C replaced by T.
Protein change: p.Asp739=; no amino-acid change (aspartic acid 739 retained).
Molecular consequence: synonymous variant.
Genome position (GRCh38, 1-based): chr3:142,556,001, G>A on the plus strand (C>T on the coding strand, the complement: ATR is on the minus strand). VCF-style: chr3-142556001-G-A. GRCh37 (hg19) VCF-style: chr3-142274843-G-A.
Other names: c.2025C>T, p.Asp675= (NM_001354579.2).
Identifiers: ClinVar variation 5006565 (VCV005006565.2).

ClinVar aggregate classification (germline): Uncertain significance (1 of 4 stars; one submission).

Conditions:
Familial cutaneous telangiectasia and oropharyngeal predisposition cancer syndrome. Identifiers: Orphanet 313846, MedGen C3281203, MONDO:0013806, OMIM 614564.
Seckel syndrome 1 (SCKL1). Also called: MICROCEPHALIC PRIMORDIAL DWARFISM I. Identifiers: Orphanet 808, MedGen C4551474, MONDO:0008869, OMIM 210600.

Submission:

Juno Genomics, Hangzhou Juno Genomics, Inc
Classification: Uncertain significance for Familial cutaneous telangiectasia and oropharyngeal predisposition cancer syndrome; Seckel syndrome 1. Review status: criteria provided, single submitter. Criteria: ACMG Guidelines, 2015. Collection method: clinical testing. Allele origin: germline.
Comment: Absent from controls (or at extremely low frequency if recessive) in Genome Aggregation Database.;Multiple lines of computational evidence support a deleterious effect on the gene or gene product.